The following is an entry in ClinVar:

NC_000004.11:g.(?_3100981)_(3241786_?)dup

Gene: HTT (huntingtin; plus strand). Cytogenetic location: 4p16.3.
Variant type: Duplication.
Identifiers: ClinVar variation 1421378 (VCV001421378.4).

ClinVar aggregate classification (germline): Uncertain significance (1 of 4 stars; one submission).

Submission:

Labcorp Genetics (formerly Invitae), Labcorp
Classification: Uncertain significance. Last evaluated: 2020-12-23. Review status: criteria provided, single submitter. Criteria: Invitae Variant Classification Sherloc (09022015). Collection method: clinical testing. Allele origin: germline.
Comment: In summary, the available evidence is currently insufficient to determine the role of this variant in disease. Therefore, it has been classified as a Variant of Uncertain Significance. Experimental studies and prediction algorithms are not available or were not evaluated, and the functional significance of this variant is currently unknown. This variant has not been reported in the literature in individuals with HTT-related conditions. This variant results in a copy number gain of the genomic region encompassing exon(s) 3-67 of the HTT gene. The 5' boundary is likely confined to intron 2. The 3' end of this event is unknown as it extends beyond the assayed region for this gene and therefore may encompass additional genes. As the precise location of this event is unknown, it may be in tandem or it may be located elsewhere in the genome.